The following is an entry in ClinVar:

NM_130837.3(OPA1):c.2766T>G (p.Phe922Leu)

Gene: OPA1 (OPA1 mitochondrial dynamin like GTPase; plus strand). Cytogenetic location: 3q29.
Variant type: single nucleotide variant.
Coding change: c.2766T>G on transcript NM_130837.3 (MANE Select); coding-DNA position 2766, T replaced by G.
Protein change: p.Phe922Leu; replaces phenylalanine 922 with leucine.
Molecular consequence: missense variant.
Genome position (GRCh38, 1-based): chr3:193,664,984, T>G. VCF-style: chr3-193664984-T-G. GRCh37 (hg19) VCF-style: chr3-193382773-T-G.
Other names: c.2232T>G, p.Phe744Leu (NM_001354663.2); c.2229T>G, p.Phe743Leu (NM_001354664.2); c.2601T>G, p.Phe867Leu (NM_015560.3); c.2493T>G, p.Phe831Leu (NM_130831.3); c.2547T>G, p.Phe849Leu (NM_130832.3); c.2604T>G, p.Phe868Leu (NM_130833.3); c.2655T>G, p.Phe885Leu (NM_130834.3); c.2658T>G, p.Phe886Leu (NM_130835.3); and 1 more; short protein forms F743L, F744L, F831L, F849L, F867L, F868L, F885L, F886L.
Identifiers: ClinVar variation 3251050 (VCV003251050.18), dbSNP rs2475167052.

ClinVar aggregate classification (germline): Uncertain significance (1 of 4 stars; one submission).

gnomAD v4.1: 1 of 1,565,328 alleles (0.000064%); highest among the groups gnomAD compares: African/African-American, 0.0014%; no homozygotes.

Submission:

CeGaT Center for Human Genetics Tuebingen
Classification: Uncertain significance. Last evaluated: 2024-06-01. Review status: criteria provided, single submitter. Criteria: CeGaT Center For Human Genetics Tuebingen Variant Classification Criteria Version 2. Collection method: clinical testing. Allele origin: germline. Affected: yes. Observed: 1 variant allele.
Comment: OPA1: PM2